The following is an entry in ClinVar:

NM_007194.4(CHEK2):c.409_427del (p.Arg137fs)

Gene: CHEK2 (checkpoint kinase 2; minus strand). Cytogenetic location: 22q12.1.
Variant type: Deletion.
Coding change: c.409_427del on transcript NM_007194.4 (MANE Select); coding-DNA positions 409 to 427, 19 bases deleted (CGAACATACAGCAAGAAAC).
Protein change: p.Arg137fs; shifts the reading frame from arginine 137.
Molecular consequence: frameshift variant.
Genome position (GRCh38, 1-based): chr22:28,725,260-28,725,278, GTTTCTTGCTGTATGTTCG deleted on the plus strand (CGAACATACAGCAAGAAAC on the coding strand, the reverse complement: CHEK2 is on the minus strand); deleting any 19 consecutive bases within chr22:28,725,260-28,725,280 gives the same sequence; the c. name uses the placement nearest the transcript's 3' end. VCF-style (leftmost placement, unchanged base first): chr22-28725259-TGTTTCTTGCTGTATGTTCG-T. GRCh37 (hg19) VCF-style: chr22-29121247-TGTTTCTTGCTGTATGTTCG-T.
Other names: c.536_554del19, p.Arg180Thrfs (NM_001005735.3); c.-371_-353del19 (NM_001257387.3); c.407_425del19, p.Arg137Thrfs (NM_001349956.3, NM_145862.3); short protein forms R137fs, R180fs.
Identifiers: ClinVar variation 2583824 (VCV002583824.2), dbSNP rs2518058306, ClinGen allele CA2582342796.

ClinVar aggregate classification (germline): Pathogenic (1 of 4 stars; one submission).

Conditions:
Familial cancer of breast. Also called: BREAST CANCER, FAMILIAL; hereditary breast carcinoma; Hereditary breast cancer. Identifiers: Orphanet 227535, MedGen C0346153, MONDO:0016419, OMIM 114480. Disease mechanism: loss of function.

Submission:

Myriad Genetics, Inc.
Classification: Pathogenic for Familial cancer of breast. Last evaluated: 2023-05-12. Review status: criteria provided, single submitter. Criteria: Myriad Autosomal Dominant, Autosomal Recessive and X-Linked Classification Criteria (2023). Collection method: clinical testing. Allele origin: unknown.
Comment: This variant is considered pathogenic. This variant creates a frameshift predicted to result in premature protein truncation.